The following is an entry in ClinVar:

NM_017415.3(KLHL3):c.1603G>A (p.Val535Ile)

Gene: KLHL3 (kelch like family member 3; minus strand). Cytogenetic location: 5q31.2.
Variant type: single nucleotide variant.
Coding change: c.1603G>A on transcript NM_017415.3 (MANE Select); coding-DNA position 1603, G replaced by A.
Protein change: p.Val535Ile; replaces valine 535 with isoleucine.
Molecular consequence: missense variant.
Genome position (GRCh38, 1-based): chr5:137,625,885, C>T on the plus strand (G>A on the coding strand, the complement: KLHL3 is on the minus strand). VCF-style: chr5-137625885-C-T. GRCh37 (hg19) VCF-style: chr5-136961574-C-T.
Other names: c.1507G>A, p.Val503Ile (NM_001257194.1); c.1357G>A, p.Val453Ile (NM_001257195.2); short protein forms V453I, V503I, V535I.
Identifiers: ClinVar variation 906050 (VCV000906050.7), dbSNP rs749298481, ClinGen allele CA3422147.

ClinVar aggregate classification (germline): Uncertain significance. Review status: criteria provided, multiple submitters, no conflicts (2 of 4 stars). 3 submissions from 3 submitters: Uncertain significance (3). Last evaluated 2024-06-03.

Conditions:
Pseudohypoaldosteronism type 2D (PHA2D). Also called: FAMILIAL HYPERKALEMIC HYPERTENSION; PSEUDOHYPOALDOSTERONISM, TYPE IID, AUTOSOMAL DOMINANT OR RECESSIVE; Pseudohypoaldosteronism Type IID. Identifiers: Orphanet 300525, Orphanet 757, MedGen C3469605, MONDO:0013781, OMIM 614495.

Allele frequency attached by ClinVar (database versions not stated): gnomAD exomes below 0.00001 and 0.00001; ExAC 0.00001; gnomAD 0.00001; TOPMed 0.00001.
gnomAD v4.1: 4 of 1,614,064 alleles (0.00025%); highest among the groups gnomAD compares: Non-Finnish European, 0.00025%; no homozygotes.

Submissions (3):

Labcorp Genetics (formerly Invitae), Labcorp
Classification: Uncertain significance. Last evaluated: 2024-06-03. Review status: criteria provided, single submitter. Criteria: Invitae Variant Classification Sherloc (09022015). Collection method: clinical testing. Allele origin: germline.
Comment: This sequence change replaces valine, which is neutral and non-polar, with isoleucine, which is neutral and non-polar, at codon 535 of the KLHL3 protein (p.Val535Ile). This variant is present in population databases (rs749298481, gnomAD 0.002%). This variant has not been reported in the literature in individuals affected with KLHL3-related conditions. ClinVar contains an entry for this variant (Variation ID: 906050). Advanced modeling of protein sequence and biophysical properties (such as structural, functional, and spatial information, amino acid conservation, physicochemical variation, residue mobility, and thermodynamic stability) performed at Invitae indicates that this missense variant is not expected to disrupt KLHL3 protein function with a negative predictive value of 80%. In summary, the available evidence is currently insufficient to determine the role of this variant in disease. Therefore, it has been classified as a Variant of Uncertain Significance.

Fulgent Genetics
Classification: Uncertain significance for Pseudohypoaldosteronism type 2D. Last evaluated: 2024-05-04. Review status: criteria provided, single submitter. Criteria: ACMG Guidelines, 2015. Collection method: clinical testing. Allele origin: germline.

Illumina Laboratory Services, Illumina
Classification: Uncertain significance for Pseudohypoaldosteronism type 2D. Last evaluated: 2018-01-15. Review status: criteria provided, single submitter. Criteria: ICSL Variant Classification Criteria 13 December 2019. Collection method: clinical testing. Allele origin: germline.